The following is an entry in ClinVar:

NM_000057.4(BLM):c.83C>G (p.Ser28Ter)

Gene: BLM (BLM RecQ like helicase; plus strand). Cytogenetic location: 15q26.1.
Variant type: single nucleotide variant.
Coding change: c.83C>G on transcript NM_000057.4 (MANE Select); coding-DNA position 83, C replaced by G.
Protein change: p.Ser28Ter; replaces serine 28 with a stop codon.
Molecular consequence: nonsense. On other transcripts: 5 prime UTR variant (1).
Genome position (GRCh38, 1-based): chr15:90,747,475, C>G. VCF-style: chr15-90747475-C-G. GRCh37 (hg19) VCF-style: chr15-91290705-C-G.
Other names: c.83C>G, p.Ser28Ter (NM_001287246.2, NM_001287247.2); c.-1209C>G (NM_001287248.2); c.83C>G (NM_000057.2); short protein forms S28*.
Identifiers: ClinVar variation 1324476 (VCV001324476.12), dbSNP rs2151145090, ClinGen allele CA393838990.

ClinVar aggregate classification (germline): Pathogenic/Likely pathogenic. Review status: criteria provided, multiple submitters, no conflicts (2 of 4 stars). 4 submissions from 4 submitters: Pathogenic (3); Likely pathogenic (1). Last evaluated 2025-05-15.

Conditions:
Hereditary cancer-predisposing syndrome. Also called: Hereditary Cancer Syndrome; Tumor predisposition; Neoplastic Syndromes, Hereditary; Hereditary neoplastic syndrome. Identifiers: Orphanet 140162, MedGen C0027672, MeSH D009386, MONDO:0015356.
Bloom syndrome (BLM). Also called: Bloom-Torre-Machacek syndrome. Identifiers: Orphanet 125, MedGen C0005859, MONDO:0008876, OMIM 210900.

gnomAD v4.1: 1 of 1,604,902 alleles (0.000062%); highest among the groups gnomAD compares: Non-Finnish European, 0.000085%; no homozygotes.

Submissions (4):

GeneKor MSA
Classification: Pathogenic for Hereditary cancer-predisposing syndrome. Last evaluated: 2025-05-15. Review status: criteria provided, single submitter. Criteria: ACMG Guidelines, 2015. Collection method: clinical testing. Allele origin: germline.
Comment: This is a single base substitution, replacing Serine with a Termination codon in the BLM gene - p.(Ser28*). It is expected to result in an absent or disrupted protein product. Loss-of-function variants in BLM are known to be pathogenic (PMID:17407155). This variant is not present in population databases and it has not been reported in literature in individuals with BLM-related disorders. The mutation database ClinVar contains an entry for this variant (VCV001324476.9). Based on the classification criteria set by the ACMG and AMP (PMID:25741868) this variant has been classified as pathogenic.

Labcorp Genetics (formerly Invitae), Labcorp
Classification: Pathogenic for Bloom syndrome. Last evaluated: 2025-04-20. Review status: criteria provided, single submitter. Criteria: Invitae Variant Classification Sherloc (09022015). Collection method: clinical testing. Allele origin: germline.
Comment: This sequence change creates a premature translational stop signal (p.Ser28*) in the BLM gene. It is expected to result in an absent or disrupted protein product. Loss-of-function variants in BLM are known to be pathogenic (PMID: 17407155). This variant is not present in population databases (gnomAD no frequency). This variant has not been reported in the literature in individuals affected with BLM-related conditions. ClinVar contains an entry for this variant (Variation ID: 1324476). For these reasons, this variant has been classified as Pathogenic.

Ambry Genetics
Classification: Likely pathogenic for Hereditary cancer-predisposing syndrome. Last evaluated: 2022-10-12. Review status: criteria provided, single submitter. Criteria: Ambry Variant Classification Scheme 2023. Collection method: clinical testing. Allele origin: germline.
Comment: The p.S28* variant (also known as c.83C>G), located in coding exon 1 of the BLM gene, results from a C to G substitution at nucleotide position 83. This changes the amino acid from a serine to a stop codon within coding exon 1. The predicted stop codon occurs in the 5&rsquo; end of theBLM gene. Premature termination codons in the 5&rsquo; end of a gene have been reported to escape nonsense-mediated mRNAdecay and/or lead to re-initiation (Rivas et al. Science. 2015 May 8;348(6235):666-9; Lindeboom et al. Nat Genet. 2016 Oct;48(10):1112-8; Rhee et al. Sci Rep. 2017 May 10;7(1):1653). Direct evidence for this alteration is unavailable, however premature termination codons are typically deleterious in nature. This alteration was detected in a cohort of 93,419 individuals undergoing a 96-gene expanded carrier screen (Kaseniit KE et al. Genet Med, 2020 10;22:1694-1702). This variant is considered to be rare based on population cohorts in the Genome Aggregation Database (gnomAD). Based on the majority of available evidence to date, this variant is likely to be pathogenic.

Revvity Omics, Revvity
Classification: Pathogenic for Bloom syndrome. Last evaluated: 2021-05-06. Review status: criteria provided, single submitter. Criteria: ACMG Guidelines, 2015. Collection method: clinical testing. Allele origin: germline.

Literature cited by the submitters: PubMed 17407155 (cited by GeneKor MSA and Labcorp Genetics (formerly Invitae), Labcorp); PubMed 32595206 (cited by Ambry Genetics).